The following is an entry in ClinVar:

ClinVar aggregate classification (germline): Uncertain significance (1 of 4 stars; one submission).

Allele frequency attached by ClinVar (database versions not stated): TOPMed below 0.00001; gnomAD 0.00001; gnomAD exomes 0.00001; ExAC 0.00002.
gnomAD v4.1: 15 of 1,614,084 alleles (0.00093%); highest among the groups gnomAD compares: African/African-American, 0.004%; no homozygotes.

Submission:

Labcorp Genetics (formerly Invitae), Labcorp
Classification: Uncertain significance. Last evaluated: 2022-11-03. Review status: criteria provided, single submitter. Criteria: Invitae Variant Classification Sherloc (09022015). Collection method: clinical testing. Allele origin: germline.
Comment: In summary, the available evidence is currently insufficient to determine the role of this variant in disease. Therefore, it has been classified as a Variant of Uncertain Significance. Advanced modeling of protein sequence and biophysical properties (such as structural, functional, and spatial information, amino acid conservation, physicochemical variation, residue mobility, and thermodynamic stability) performed at Invitae indicates that this missense variant is not expected to disrupt EXTL3 protein function. This variant has not been reported in the literature in individuals affected with EXTL3-related conditions. This variant is present in population databases (rs751502852, gnomAD 0.006%). This sequence change replaces arginine, which is basic and polar, with histidine, which is basic and polar, at codon 361 of the EXTL3 protein (p.Arg361His).

NM_001440.4(EXTL3):c.1082G>A (p.Arg361His)

Gene: EXTL3 (exostosin like glycosyltransferase 3; plus strand). Cytogenetic location: 8p21.1.
Variant type: single nucleotide variant.
Coding change: c.1082G>A on transcript NM_001440.4 (MANE Select); coding-DNA position 1082, G replaced by A.
Protein change: p.Arg361His; replaces arginine 361 with histidine.
Molecular consequence: missense variant.
Genome position (GRCh38, 1-based): chr8:28,717,141, G>A. VCF-style: chr8-28717141-G-A. GRCh37 (hg19) VCF-style: chr8-28574658-G-A.
Other names: short protein forms R361H.
Identifiers: ClinVar variation 2132389 (VCV002132389.2), dbSNP rs751502852, ClinGen allele CA4696132.